The following is an entry in ClinVar:

NM_016148.5(SHANK1):c.2308+8T>C

Gene: SHANK1 (SH3 and multiple ankyrin repeat domains 1; minus strand). Cytogenetic location: 19q13.33.
Variant type: single nucleotide variant.
Coding change: c.2308+8T>C on transcript NM_016148.5 (MANE Select); 8 bases into the intron after coding-DNA position 2308, T replaced by C.
Molecular consequence: intron variant.
Genome position (GRCh38, 1-based): chr19:50,687,915, A>G on the plus strand (T>C on the coding strand, the complement: SHANK1 is on the minus strand). VCF-style: chr19-50687915-A-G. GRCh37 (hg19) VCF-style: chr19-51191172-A-G.
Identifiers: ClinVar variation 3056492 (VCV003056492.2), dbSNP rs12975345, ClinGen allele CA9601573.

ClinVar aggregate classification (germline): Benign (0 of 4 stars; one submission).

Conditions:
SHANK1-related disorder. Also called: SHANK1-related condition.

Allele frequency attached by ClinVar (database versions not stated): 1000 Genomes Project 0.10523; 1000 Genomes Project 30x 0.10572; TOPMed 0.16455; gnomAD 0.17309; ESP Exome Variant Server 0.18368.
gnomAD v4.1: 363,262 of 1,613,510 alleles (23%); highest among the groups gnomAD compares: Non-Finnish European, 26%; 44,500 homozygotes.

Submission:

PreventionGenetics, part of Exact Sciences
Classification: Benign for SHANK1-related condition. Last evaluated: 2019-10-17. Review status: no assertion criteria provided. Collection method: clinical testing. Allele origin: germline.
Comment: This variant is classified as benign based on ACMG/AMP sequence variant interpretation guidelines (Richards et al. 2015 PMID: 25741868, with internal and published modifications).